The following is an entry in ClinVar:

ClinVar aggregate classification (germline): Uncertain significance (1 of 4 stars; one submission).

Submission:

GeneDx
Classification: Uncertain significance. Last evaluated: 2025-02-28. Review status: criteria provided, single submitter. Criteria: GeneDx Variant Classification Process June 2021. Collection method: clinical testing. Allele origin: germline. Affected: yes.
Comment: Not observed at significant frequency in large population cohorts (gnomAD); In silico analysis supports that this missense variant has a deleterious effect on protein structure/function; Has not been previously published as pathogenic or benign to our knowledge

NM_012154.5(AGO2):c.1123C>T (p.Arg375Trp)

Gene: AGO2 (argonaute RISC catalytic component 2; minus strand). Cytogenetic location: 8q24.3.
Variant type: single nucleotide variant.
Coding change: c.1123C>T on transcript NM_012154.5 (MANE Select); coding-DNA position 1123, C replaced by T.
Protein change: p.Arg375Trp; replaces arginine 375 with tryptophan.
Molecular consequence: missense variant.
Genome position (GRCh38, 1-based): chr8:140,556,190, G>A on the plus strand (C>T on the coding strand, the complement: AGO2 is on the minus strand). VCF-style: chr8-140556190-G-A. GRCh37 (hg19) VCF-style: chr8-141566289-G-A.
Other names: c.1123C>T, p.Arg375Trp (NM_001164623.3); short protein forms R375W.
Identifiers: ClinVar variation 4077344 (VCV004077344.1).
Genomic context (GRCh38, chr8:140,556,190, plus strand): 5'-ATTCCACAGGGCAGCCCTGCCCGGGACTGACACTCACCAATTTGCTAATCTCTTCTTGCC[G>A]ATCGGGCGCCGACCTAGCAGTCGCTCTGATCATGGTTGAGGTCTGATTGTCCGTTAATTT-3'
Protein context (NP_036286.2, residues 365-385): IRATARSAPD[Arg375Trp]QEEISKLMRS